The following is an entry in ClinVar:

NM_014679.5(CEP57):c.422A>G (p.Asn141Ser)

Gene: CEP57 (centrosomal protein 57; plus strand). Cytogenetic location: 11q21.
Variant type: single nucleotide variant.
Coding change: c.422A>G on transcript NM_014679.5 (MANE Select); coding-DNA position 422, A replaced by G.
Protein change: p.Asn141Ser; replaces asparagine 141 with serine.
Molecular consequence: missense variant.
Genome position (GRCh38, 1-based): chr11:95,813,507, A>G. VCF-style: chr11-95813507-A-G. GRCh37 (hg19) VCF-style: chr11-95546671-A-G.
Other names: c.395A>G, p.Asn132Ser (NM_001243776.2); c.422A>G, p.Asn141Ser (NM_001243777.2); c.341A>G, p.Asn114Ser (NM_001363604.2); short protein forms N141S, N114S, N132S.
Identifiers: ClinVar variation 472257 (VCV000472257.13), dbSNP rs149196489, ClinGen allele CA6239471.

ClinVar aggregate classification (germline): Uncertain significance. Review status: criteria provided, multiple submitters, no conflicts (2 of 4 stars). 3 submissions from 3 submitters: Uncertain significance (3). Last evaluated 2025-10-19.

Conditions:
Mosaic variegated aneuploidy syndrome 2 (MVA2). Identifiers: Orphanet 1052, MedGen C3279843, MONDO:0013582, OMIM 614114.
Inborn genetic diseases. Identifiers: MedGen C0950123, MeSH D030342.

Allele frequency attached by ClinVar (database versions not stated): ESP Exome Variant Server 0.00008; ExAC 0.00012; gnomAD exomes 0.00018 and 0.00041; gnomAD 0.00024; TOPMed 0.00026.
gnomAD v4.1: 630 of 1,612,850 alleles (0.039%); highest among the groups gnomAD compares: Non-Finnish European, 0.051%; 1 homozygote.

Submissions (3):

Labcorp Genetics (formerly Invitae), Labcorp
Classification: Uncertain significance for Mosaic variegated aneuploidy syndrome 2. Last evaluated: 2025-10-19. Review status: criteria provided, single submitter. Criteria: Invitae Variant Classification Sherloc (09022015). Collection method: clinical testing. Allele origin: germline.
Comment: This sequence change replaces asparagine, which is neutral and polar, with serine, which is neutral and polar, at codon 141 of the CEP57 protein (p.Asn141Ser). This variant is present in population databases (rs149196489, gnomAD 0.03%). This variant has not been reported in the literature in individuals affected with CEP57-related conditions. ClinVar contains an entry for this variant (Variation ID: 472257). Invitae Evidence Modeling of protein sequence and biophysical properties (such as structural, functional, and spatial information, amino acid conservation, physicochemical variation, residue mobility, and thermodynamic stability) indicates that this missense variant is not expected to disrupt CEP57 protein function with a negative predictive value of 80%. In summary, the available evidence is currently insufficient to determine the role of this variant in disease. Therefore, it has been classified as a Variant of Uncertain Significance.

Ambry Genetics
Classification: Uncertain significance for Inborn genetic diseases. Last evaluated: 2024-11-18. Review status: criteria provided, single submitter. Criteria: Ambry Variant Classification Scheme 2023. Collection method: clinical testing. Allele origin: germline.
Comment: The p.N141S variant (also known as c.422A>G), located in coding exon 4 of the CEP57 gene, results from an A to G substitution at nucleotide position 422. The asparagine at codon 141 is replaced by serine, an amino acid with highly similar properties. This amino acid position is conserved. In addition, this alteration is predicted to be tolerated by in silico analysis. Based on the available evidence, the clinical significance of this variant remains unclear.

Fulgent Genetics
Classification: Uncertain significance for Mosaic variegated aneuploidy syndrome 2. Last evaluated: 2018-10-31. Review status: criteria provided, single submitter. Criteria: ACMG Guidelines, 2015. Collection method: clinical testing. Allele origin: unknown.